The following is an entry in ClinVar:

ClinVar aggregate classification (germline): Uncertain significance. Review status: criteria provided, multiple submitters, no conflicts (2 of 4 stars). 3 submissions from 3 submitters: Uncertain significance (3). Last evaluated 2026-05-06.

Conditions:
IFT88-related disorder. Also called: IFT88-related condition.

Allele frequency attached by ClinVar (database versions not stated): ExAC 0.00002; gnomAD 0.00002 and 0.00004; gnomAD exomes 0.00002; TOPMed 0.00005.
gnomAD v4.1: 37 of 1,613,760 alleles (0.0023%); highest among the groups gnomAD compares: South Asian, 0.011%; no homozygotes.

Submissions (3):

PreventionGenetics, part of Exact Sciences
Classification: Uncertain significance for IFT88-related condition. Last evaluated: 2026-05-06. Review status: criteria provided, single submitter. Criteria: ACMG Guidelines, 2015. Collection method: clinical testing. Allele origin: germline.
Comment: The IFT88 c.2449G>A variant is predicted to result in the amino acid substitution p.Asp817Asn. To our knowledge, this variant has not been reported in the literature. This variant is reported in 0.010% of alleles in individuals of East Asian descent in gnomAD. At this time, the clinical significance of this variant is uncertain due to the absence of conclusive functional and genetic evidence.

Labcorp Genetics (formerly Invitae), Labcorp
Classification: Uncertain significance. Last evaluated: 2025-09-10. Review status: criteria provided, single submitter. Criteria: Invitae Variant Classification Sherloc (09022015). Collection method: clinical testing. Allele origin: germline.
Comment: This sequence change replaces aspartic acid, which is acidic and polar, with asparagine, which is neutral and polar, at codon 817 of the IFT88 protein (p.Asp817Asn). This variant is present in population databases (rs748571032, gnomAD 0.01%). This variant has not been reported in the literature in individuals affected with IFT88-related conditions. ClinVar contains an entry for this variant (Variation ID: 1367023). Experimental studies and prediction algorithms are not available or were not evaluated, and the functional significance of this variant is currently unknown. In summary, the available evidence is currently insufficient to determine the role of this variant in disease. Therefore, it has been classified as a Variant of Uncertain Significance.

Ambry Genetics
Classification: Uncertain significance. Last evaluated: 2025-03-08. Review status: criteria provided, single submitter. Criteria: Ambry Variant Classification Scheme 2023. Collection method: clinical testing. Allele origin: germline.

NM_006531.5(IFT88):c.2422G>A (p.Asp808Asn)

Gene: IFT88 (intraflagellar transport 88; plus strand). Cytogenetic location: 13q12.11.
Variant type: single nucleotide variant.
Coding change: c.2422G>A on transcript NM_006531.5 (MANE Select); coding-DNA position 2422, G replaced by A.
Protein change: p.Asp808Asn; replaces aspartic acid 808 with asparagine.
Molecular consequence: missense variant. On other transcripts: 3 prime UTR variant (1), non-coding transcript variant (5).
Genome position (GRCh38, 1-based): chr13:20,691,122, G>A. VCF-style: chr13-20691122-G-A. GRCh37 (hg19) VCF-style: chr13-21265261-G-A.
Other names: c.2449G>A (NM_175605.4, NM_175605.3); c.2365G>A, p.Asp789Asn (NM_001318491.2); c.2449G>A, p.Asp817Asn (NM_001318493.2, NM_001353565.2, NM_001353566.2 and 2 more transcripts); c.2422G>A, p.Asp808Asn (NM_001353568.2); c.2347G>A, p.Asp783Asn (NM_001353569.2, NM_001353570.2); c.2320G>A, p.Asp774Asn (NM_001353571.2); c.2311G>A, p.Asp771Asn (NM_001353572.2); c.2278G>A, p.Asp760Asn (NM_001353573.2); and 5 more; short protein forms D737N, D760N, D789N, D755N, D808N, D783N, D817N, D597N.
Identifiers: ClinVar variation 1367023 (VCV001367023.9), dbSNP rs748571032, ClinGen allele CA6905781.